The following is an entry in ClinVar:

NM_000063.6(C2):c.795_796del (p.Ser266fs)

Gene: C2 (complement C2; plus strand). Cytogenetic location: 6p21.33.
Variant type: Microsatellite.
Coding change: c.795_796del on transcript NM_000063.6 (MANE Select); coding-DNA positions 795 to 796, 2 bases deleted (GT; older notation c.795_796delGT).
Protein change: p.Ser266fs; shifts the reading frame from serine 266.
Molecular consequence: frameshift variant. On other transcripts: intron variant (2).
Genome position (GRCh38, 1-based): chr6:31,934,245-31,934,246, GT deleted; deleting any 2 consecutive bases within chr6:31,934,241-31,934,246 gives the same sequence; the c. name uses the placement nearest the transcript's 3' end. VCF-style (leftmost placement, unchanged base first): chr6-31934240-AGT-A. GRCh37 (hg19) VCF-style: chr6-31902017-AGT-A.
Other names: c.399_400del, p.Ser134fs (NM_001145903.3); c.708_709del, p.Ser237fs (NM_001282458.2); c.795_796del, p.Ser266fs (NM_001282459.2); c.111+458GT[2] (NM_001282457.2); c.346+276GT[2] (NM_001178063.3); short protein forms S134fs, S266fs, S237fs.
Identifiers: ClinVar variation 2870130 (VCV002870130.3), dbSNP rs775821591, ClinGen allele CA3727515.

ClinVar aggregate classification (germline): Pathogenic (1 of 4 stars; one submission).

Submission:

Labcorp Genetics (formerly Invitae), Labcorp
Classification: Pathogenic. Last evaluated: 2023-11-19. Review status: criteria provided, single submitter. Criteria: Invitae Variant Classification Sherloc (09022015). Collection method: clinical testing. Allele origin: germline.
Comment: This sequence change creates a premature translational stop signal (p.Ser266Glyfs*3) in the C2 gene. It is expected to result in an absent or disrupted protein product. Loss-of-function variants in C2 are known to be pathogenic (PMID: 1577763, 9616367). This variant is present in population databases (rs775821591, gnomAD 0.004%). This variant has not been reported in the literature in individuals affected with C2-related conditions. Algorithms developed to predict the effect of sequence changes on RNA splicing suggest that this variant may disrupt the consensus splice site. For these reasons, this variant has been classified as Pathogenic.

Literature cited by the submitters: PubMed 1577763; PubMed 9616367.